The following is an entry in ClinVar:

ClinVar aggregate classification (germline): Uncertain significance (1 of 4 stars; one submission).

Conditions:
Neurodevelopmental disorder with hypotonia, neuropathy, and deafness (NEDHND). Also called: Myopathy, congenital, with neuropathy and deafness; SPTBN4 Disorder. Identifiers: MedGen C4479603, MONDO:0060496, OMIM 617519.

Submission:

3billion
Classification: Uncertain significance for Neurodevelopmental disorder with hypotonia, neuropathy, and deafness. Last evaluated: 2025-06-29. Review status: criteria provided, single submitter. Criteria: ACMG Guidelines, 2015. Collection method: clinical testing. Allele origin: germline. Affected: yes.
Comment: The variant is not observed in the gnomAD v4.1.0 dataset. Predicted Consequence/Location: Missense variant In silico tool predictions suggest no damaging effect of the variant on gene or gene product [REVEL: 0.29 (<0.4); 3Cnet: 0.03 (<0.1, specificity 0.84 and negative predicitive value 0.97)]. Therefore, this variant is classified as VUS according to the recommendation of ACMG/AMP guideline.

NM_020971.3(SPTBN4):c.1877T>A (p.Leu626Gln)

Gene: SPTBN4 (spectrin beta, non-erythrocytic 4; plus strand). Cytogenetic location: 19q13.2.
Variant type: single nucleotide variant.
Coding change: c.1877T>A on transcript NM_020971.3 (MANE Select); coding-DNA position 1877, T replaced by A.
Protein change: p.Leu626Gln; replaces leucine 626 with glutamine.
Molecular consequence: missense variant.
Genome position (GRCh38, 1-based): chr19:40,512,666, T>A. VCF-style: chr19-40512666-T-A. GRCh37 (hg19) VCF-style: chr19-41018573-T-A.
Other names: short protein forms L626Q.
Identifiers: ClinVar variation 4855065 (VCV004855065.1).